The following is an entry in ClinVar:

ClinVar aggregate classification (germline): Uncertain significance (1 of 4 stars; one submission).

Conditions:
Glycogen storage disease type III (GSD3). Also called: Cori disease; FORBES DISEASE. Identifiers: Orphanet 366, MedGen C0017922, MONDO:0009291, OMIM 232400.

Submission:

Neuberg Centre For Genomic Medicine, NCGM
Classification: Uncertain significance for Glycogen storage disease type III. Last evaluated: 2023-06-22. Review status: criteria provided, single submitter. Criteria: ACMG Guidelines, 2015. Collection method: clinical testing. Allele origin: germline. Inheritance: Autosomal recessive inheritance. Affected: yes.
Comment: The splice donor c.4347+2dup variant in the AGL gene has not been reported previously as a pathogenic variant nor as a benign variant, to our knowledge. The variant is absent in gnomAD Exomes. The variant affects the GT donor splice site downstream of exon 32. Loss of function variants have been previously reported to be disease causing. The variant is present in penultimate intron hence, additional studies are required to prove the pathogenicity of the varaint. The Splice AI tool predicts the variant to be damaging. For these reasons, this variant has been classified as Uncertain Significance.

NM_000642.3(AGL):c.4347+2dup

Gene: AGL (amylo-alpha-1,6-glucosidase and 4-alpha-glucanotransferase; plus strand). Cytogenetic location: 1p21.2.
Variant type: Duplication.
Coding change: c.4347+2dup on transcript NM_000642.3 (MANE Select); the canonical splice donor site of the intron after coding-DNA position 4347, one base duplicated (T; older notation c.4347+2dupT).
Molecular consequence: splice donor variant.
Genome position (GRCh38, 1-based): chr1:99,916,499, T duplicated. VCF-style (leftmost placement, unchanged base first): chr1-99916498-G-GT. GRCh37 (hg19) VCF-style: chr1-100382054-G-GT.
Other names: c.4347+2dup (NM_000643.3, NM_000644.3, NM_001425325.1 and 1 more transcripts); c.4299+2dup (NM_000646.3); c.4326+2dup (NM_001425326.1); c.4146+2dup (NM_001425327.1); c.4143+2dup (NM_001425328.1); c.4008+2dup (NM_001425329.1); c.3969+2dup (NM_001425332.1).
Identifiers: ClinVar variation 3391409 (VCV003391409.1).